The following is an entry in ClinVar:

NM_001370259.2(MEN1):c.173T>G (p.Val58Gly)

Gene: MEN1 (menin 1; minus strand). Cytogenetic location: 11q13.1.
Variant type: single nucleotide variant.
Coding change: c.173T>G on transcript NM_001370259.2 (MANE Select); coding-DNA position 173, T replaced by G.
Protein change: p.Val58Gly; replaces valine 58 with glycine.
Molecular consequence: missense variant.
Genome position (GRCh38, 1-based): chr11:64,809,937, A>C on the plus strand (T>G on the coding strand, the complement: MEN1 is on the minus strand). VCF-style: chr11-64809937-A-C. GRCh37 (hg19) VCF-style: chr11-64577409-A-C.
Other names: c.173T>G, p.Val58Gly (NM_000244.4, NM_001370251.2, NM_001370260.2 and 20 more transcripts); short protein forms V58G.
Identifiers: ClinVar variation 1779181 (VCV001779181.2), dbSNP rs2136191009, ClinGen allele CA381187716.

ClinVar aggregate classification (germline): Uncertain significance (1 of 4 stars; one submission).

Conditions:
Hereditary cancer-predisposing syndrome. Also called: Neoplastic Syndromes, Hereditary; Tumor predisposition; Hereditary Cancer Syndrome; Hereditary neoplastic syndrome. Identifiers: Orphanet 140162, MedGen C0027672, MeSH D009386, MONDO:0015356.

Submission:

Ambry Genetics
Classification: Uncertain significance for Hereditary cancer-predisposing syndrome. Last evaluated: 2022-08-19. Review status: criteria provided, single submitter. Criteria: Ambry Variant Classification Scheme 2023. Collection method: clinical testing. Allele origin: germline.
Comment: The p.V58G variant (also known as c.173T>G), located in coding exon 1 of the MEN1 gene, results from a T to G substitution at nucleotide position 173. The valine at codon 58 is replaced by glycine, an amino acid with dissimilar properties. This amino acid position is conserved. In addition, this alteration is predicted to be deleterious by in silico analysis. Since supporting evidence is limited at this time, the clinical significance of this alteration remains unclear.